The following is an entry in ClinVar:

NM_002439.5(MSH3):c.3384G>A (p.Met1128Ile)

Gene: MSH3 (mutS homolog 3; plus strand). Cytogenetic location: 5q14.1.
Variant type: single nucleotide variant.
Coding change: c.3384G>A on transcript NM_002439.5 (MANE Select); coding-DNA position 3384, G replaced by A.
Protein change: p.Met1128Ile; replaces methionine 1128 with isoleucine.
Molecular consequence: missense variant.
Genome position (GRCh38, 1-based): chr5:80,875,832, G>A. VCF-style: chr5-80875832-G-A. GRCh37 (hg19) VCF-style: chr5-80171651-G-A.
Other names: short protein forms M1128I.
Identifiers: ClinVar variation 971412 (VCV000971412.12), dbSNP rs767305989, ClinGen allele CA3328533.

ClinVar aggregate classification (germline): Uncertain significance. Review status: criteria provided, multiple submitters, no conflicts (2 of 4 stars). 3 submissions from 3 submitters: Uncertain significance (3). Last evaluated 2026-01-06.

Conditions:
Hereditary cancer-predisposing syndrome. Also called: Neoplastic Syndromes, Hereditary; Hereditary Cancer Syndrome; Tumor predisposition; Hereditary neoplastic syndrome. Identifiers: Orphanet 140162, MedGen C0027672, MeSH D009386, MONDO:0015356.
Endometrial carcinoma. Also called: Endometrial carcinoma, somatic. Identifiers: MedGen C0476089, MONDO:0002447, OMIM 608089, HP:0012114.
Familial adenomatous polyposis 4 (FAP4). Also called: MSH3-related attenuated familial adenomatous polyposis. Identifiers: Orphanet 480536, MedGen C4310719, MONDO:0044300, OMIM 617100.

Allele frequency attached by ClinVar (database versions not stated): gnomAD exomes below 0.00001 and 0.00003; TOPMed below 0.00001; gnomAD 0.00002; ExAC 0.00003.

Submissions (3):

Labcorp Genetics (formerly Invitae), Labcorp
Classification: Uncertain significance. Last evaluated: 2026-01-06. Review status: criteria provided, single submitter. Criteria: Invitae Variant Classification Sherloc (09022015). Collection method: clinical testing. Allele origin: germline.
Comment: This sequence change replaces methionine, which is neutral and non-polar, with isoleucine, which is neutral and non-polar, at codon 1128 of the MSH3 protein (p.Met1128Ile). This variant is present in population databases (rs767305989, gnomAD 0.05%). This variant has not been reported in the literature in individuals affected with MSH3-related conditions. ClinVar contains an entry for this variant (Variation ID: 971412). An algorithm developed to predict the effect of missense changes on protein structure and function outputs the following: PolyPhen-2: "Benign". The isoleucine amino acid residue is found in multiple mammalian species, which suggests that this missense change does not adversely affect protein function. In summary, the available evidence is currently insufficient to determine the role of this variant in disease. Therefore, it has been classified as a Variant of Uncertain Significance.

Ambry Genetics
Classification: Uncertain significance for Hereditary cancer-predisposing syndrome. Last evaluated: 2024-06-14. Review status: criteria provided, single submitter. Criteria: Ambry Variant Classification Scheme 2023. Collection method: clinical testing. Allele origin: germline.
Comment: The p.M1128I variant (also known as c.3384G>A), located in coding exon 24 of the MSH3 gene, results from a G to A substitution at nucleotide position 3384. The methionine at codon 1128 is replaced by isoleucine, an amino acid with highly similar properties. This amino acid position is poorly conserved in available vertebrate species. In addition, this alteration is predicted to be tolerated by in silico analysis. Since supporting evidence is limited at this time, the clinical significance of this alteration remains unclear.

Fulgent Genetics
Classification: Uncertain significance for Endometrial carcinoma; Familial adenomatous polyposis 4. Last evaluated: 2024-02-22. Review status: criteria provided, single submitter. Criteria: ACMG Guidelines, 2015. Collection method: clinical testing. Allele origin: germline.